The following is an entry in ClinVar:

ClinVar aggregate classification (germline): Uncertain significance (1 of 4 stars; one submission).

Conditions:
Emery-Dreifuss muscular dystrophy 5, autosomal dominant (EDMD5). Also called: EMERY-DREIFUSS MUSCULAR DYSTROPHY 5. Identifiers: Orphanet 261, MedGen C2751805, MONDO:0013072, OMIM 612999.

Allele frequency attached by ClinVar (database versions not stated): gnomAD exomes 0.00001; TOPMed 0.00001; gnomAD 0.00002.
gnomAD v4.1: 16 of 1,613,924 alleles (0.00099%); highest among the groups gnomAD compares: African/African-American, 0.0093%; no homozygotes.

Submission:

Labcorp Genetics (formerly Invitae), Labcorp
Classification: Uncertain significance for Emery-Dreifuss muscular dystrophy 5, autosomal dominant. Last evaluated: 2023-10-03. Review status: criteria provided, single submitter. Criteria: Invitae Variant Classification Sherloc (09022015). Collection method: clinical testing. Allele origin: germline.
Comment: This sequence change replaces asparagine, which is neutral and polar, with serine, which is neutral and polar, at codon 3677 of the SYNE2 protein (p.Asn3677Ser). This variant is present in population databases (no rsID available, gnomAD 0.01%). This variant has not been reported in the literature in individuals affected with SYNE2-related conditions. ClinVar contains an entry for this variant (Variation ID: 1037168). Algorithms developed to predict the effect of missense changes on protein structure and function output the following: SIFT: "Not Available"; PolyPhen-2: "Benign"; Align-GVGD: "Not Available". The serine amino acid residue is found in multiple mammalian species, which suggests that this missense change does not adversely affect protein function. In summary, the available evidence is currently insufficient to determine the role of this variant in disease. Therefore, it has been classified as a Variant of Uncertain Significance.

NM_182914.3(SYNE2):c.11030A>G (p.Asn3677Ser)

Gene: SYNE2 (spectrin repeat containing nuclear envelope protein 2; plus strand). Cytogenetic location: 14q23.2.
Variant type: single nucleotide variant.
Coding change: c.11030A>G on transcript NM_182914.3 (MANE Select); coding-DNA position 11030, A replaced by G.
Protein change: p.Asn3677Ser; replaces asparagine 3677 with serine.
Molecular consequence: missense variant.
Genome position (GRCh38, 1-based): chr14:64,078,473, A>G. VCF-style: chr14-64078473-A-G. GRCh37 (hg19) VCF-style: chr14-64545191-A-G.
Other names: c.11030A>G, p.Asn3677Ser (NM_015180.6); short protein forms N3677S.
Identifiers: ClinVar variation 1037168 (VCV001037168.8), dbSNP rs1044882220, ClinGen allele CA261804954.